The following is an entry in ClinVar:

ClinVar aggregate classification (germline): Benign/Likely benign. Review status: criteria provided, multiple submitters, no conflicts (2 of 4 stars). 2 submissions from 2 submitters: Benign (1); Likely benign (1). Last evaluated 2018-07-31.

Conditions:
Classic homocystinuria. Also called: Homocystinuria due to Cystathionine Beta-Synthase Deficiency; HOMOCYSTINURIA WITH OR WITHOUT RESPONSE TO PYRIDOXINE; Homocystinuria due to CBS deficiency; Cystathionine beta-synthase deficiency; CBS deficiency. Identifiers: Orphanet 394, MedGen C0751202, MONDO:0009352, OMIM 236200.

Allele frequency attached by ClinVar (database versions not stated): gnomAD 0.01211; 1000 Genomes Project 0.01258.

Submissions (5):

GeneDx
Classification: Likely benign. Last evaluated: 2018-07-31. Review status: criteria provided, single submitter. Criteria: GeneDx Variant Classification Process June 2021. Collection method: clinical testing. Allele origin: germline. Affected: yes.

Illumina Laboratory Services, Illumina
Classification: Benign for Classic homocystinuria. Last evaluated: 2018-01-12. Review status: criteria provided, single submitter. Criteria: ICSL Variant Classification Criteria 13 December 2019. Collection method: clinical testing. Allele origin: germline.
Comment: This variant was observed in the ICSL laboratory as part of a predisposition screen in an ostensibly healthy population. It had not been previously curated by ICSL or reported in the Human Gene Mutation Database (HGMD: prior to June 1st, 2018), and was therefore a candidate for classification through an automated scoring system. Utilizing variant allele frequency, disease prevalence and penetrance estimates, and inheritance mode, an automated score was calculated to assess if this variant is too frequent to cause the disease. Based on the score and internal cut-off values, a variant classified as benign is not then subjected to further curation. The score for this variant resulted in a classification of benign for this disease.

Dr. Peter K. Rogan Lab, Western University
No classification provided (evidence only). Condition: Uterine corpus endometrial carcinoma. Review status: no classification provided. Collection method: in vitro. Allele origin: not applicable. Functional consequence: retained intron. Not counted in ClinVar's aggregate classification.

Dr. Peter K. Rogan Lab, Western University
No classification provided (evidence only). Condition: Cervical cancer. Review status: no classification provided. Collection method: in vitro. Allele origin: not applicable. Functional consequence: retained intron. Not counted in ClinVar's aggregate classification.

Dr. Peter K. Rogan Lab, Western University
No classification provided (evidence only). Condition: Nonpapillary renal cell carcinoma. Review status: no classification provided. Collection method: in vitro. Allele origin: not applicable. Functional consequence: retained intron. Not counted in ClinVar's aggregate classification.

NM_000071.3(CBS):c.*81G>A

Gene: CBS (cystathionine beta-synthase; minus strand). Cytogenetic location: 21q22.3.
Variant type: single nucleotide variant.
Coding change: c.*81G>A on transcript NM_000071.3 (MANE Select); 81 bases downstream of the stop codon, G replaced by A.
Molecular consequence: 3 prime UTR variant. On other transcripts: intron variant (1).
Genome position (GRCh38, 1-based): chr21:43,053,799, C>T on the plus strand (G>A on the coding strand, the complement: CBS is on the minus strand). VCF-style: chr21-43053799-C-T. GRCh37 (hg19) VCF-style: chr21-44473909-C-T.
Other names: NC_000021.8:g.44473909C>T; c.*81G>A (NM_001178008.3, NM_001320298.2, NM_001321072.1); c.*18+63G>A (NM_001178009.3).
Identifiers: ClinVar variation 340078 (VCV000340078.8), dbSNP rs115406358, ClinGen allele CA10653643.